The following is an entry in ClinVar:

ClinVar aggregate classification (germline): Benign/Likely benign. Review status: criteria provided, multiple submitters, no conflicts (2 of 4 stars). 3 submissions from 3 submitters: Benign (2); Likely benign (1). Last evaluated 2026-01-14.

Allele frequency attached by ClinVar (database versions not stated): ESP Exome Variant Server 0.00025; gnomAD exomes 0.00060 and 0.00214; gnomAD 0.00098 and 0.00123; TOPMed 0.00135; ExAC 0.00234; 1000 Genomes Project 30x 0.00484; 1000 Genomes Project 0.00559.
gnomAD v4.1: 1,203 of 1,585,812 alleles (0.076%); highest among the groups gnomAD compares: East Asian, 1.9%; 14 homozygotes.

Submissions (3):

Labcorp Genetics (formerly Invitae), Labcorp
Classification: Benign. Last evaluated: 2026-01-14. Review status: criteria provided, single submitter. Criteria: Invitae Variant Classification Sherloc (09022015). Collection method: clinical testing. Allele origin: germline.

GeneDx
Classification: Likely benign. Last evaluated: 2018-06-29. Review status: criteria provided, single submitter. Criteria: GeneDx Variant Classification Process June 2021. Collection method: clinical testing. Allele origin: germline. Affected: yes.

Laboratory for Molecular Medicine, Mass General Brigham Personalized Medicine
Classification: Benign. Last evaluated: 2014-11-24. Review status: criteria provided, single submitter. Criteria: LMM Criteria. Collection method: clinical testing. Allele origin: germline. Observed: 2 variant alleles.
Comment: 4172+10G>A in intron 34 of OTOGL: This variant is not expected to have clinical significance because it is not located within the conserved splice consensus seq uence. It has been identified in 3.0% (6/200) of Han Chinese chromosomes from a broad population by the 1000 Genomes Project (ts/SNP; dbSNP rs149452803).

NM_001378609.3(OTOGL):c.4199+10G>A

Gene: OTOGL (otogelin like; plus strand). Cytogenetic location: 12q21.31.
Variant type: single nucleotide variant.
Coding change: c.4199+10G>A on transcript NM_001378609.3 (MANE Select); 10 bases into the intron after coding-DNA position 4199, G replaced by A.
Molecular consequence: intron variant.
Genome position (GRCh38, 1-based): chr12:80,323,850, G>A. VCF-style: chr12-80323850-G-A. GRCh37 (hg19) VCF-style: chr12-80717630-G-A.
Other names: c.4064+10G>A (NM_001368062.3); c.4199+10G>A (NM_001378610.3, NM_173591.7).
Identifiers: ClinVar variation 226946 (VCV000226946.17), dbSNP rs149452803, ClinGen allele CA6701283.